The following is an entry in ClinVar:

NM_001177693.2(ARHGEF28):c.2793T>C (p.Ile931=)

Gene: ARHGEF28 (Rho guanine nucleotide exchange factor 28; plus strand). Cytogenetic location: 5q13.2.
Variant type: single nucleotide variant.
Coding change: c.2793T>C on transcript NM_001177693.2 (MANE Select); coding-DNA position 2793, T replaced by C.
Protein change: p.Ile931=; no amino-acid change (isoleucine 931 retained).
Molecular consequence: synonymous variant.
Genome position (GRCh38, 1-based): chr5:73,873,225, T>C. VCF-style: chr5-73873225-T-C. GRCh37 (hg19) VCF-style: chr5-73169050-T-C.
Other names: c.2793T>C, p.Ile931= (NM_001080479.3, NM_001388078.1); c.1854T>C, p.Ile618= (NM_001244364.2); c.2499T>C, p.Ile833= (NM_001388076.1).
Identifiers: ClinVar variation 4978590 (VCV004978590.1).
Genomic context (GRCh38, chr5:73,873,225, plus strand): 5'-GAAGGAACGAAGGCAGGAATCCTGTGCTGGCAGCGACAGGAATTTTGTGATCGACCGAAT[T>C]GGAGATATTTTGGTACAACAGGTAAGAAGAGCTTAAAGTCCTTGACCTTTATGACGTAAG-3'
Protein context (NP_001171164.1, residues 921-941): GSDRNFVIDR[Ile931=]GDILVQQFSE

ClinVar aggregate classification (germline): Likely benign (1 of 4 stars; one submission).

Conditions:
ARHGEF28-related disorder. Also called: ARHGEF28-related condition.

gnomAD v4.1: 27 of 1,610,784 alleles (0.0017%); highest among the groups gnomAD compares: Non-Finnish European, 0.0022%; no homozygotes.

Submission:

PreventionGenetics, part of Exact Sciences
Classification: Likely benign for ARHGEF28-related condition. Last evaluated: 2024-12-12. Review status: criteria provided, single submitter. Criteria: ACMG Guidelines, 2015. Collection method: clinical testing. Allele origin: germline.
Comment: This variant is classified as likely benign based on ACMG/AMP sequence variant interpretation guidelines (Richards et al. 2015 PMID: 25741868, with internal and published modifications).